The following is an entry in ClinVar:

ClinVar aggregate classification (germline): Likely pathogenic (1 of 4 stars; one submission).

Submission:

Labcorp Genetics (formerly Invitae), Labcorp
Classification: Likely pathogenic. Last evaluated: 2023-05-10. Review status: criteria provided, single submitter. Criteria: Invitae Variant Classification Sherloc (09022015). Collection method: clinical testing. Allele origin: germline.
Comment: This sequence change affects a splice site in intron 13 of the CAD gene. It is expected to disrupt RNA splicing. Variants that disrupt the donor or acceptor splice site typically lead to a loss of protein function (PMID: 16199547), and loss-of-function variants in CAD are known to be pathogenic (PMID: 28007989, 32117025, 32820246, 33497533). In summary, the currently available evidence indicates that the variant is pathogenic, but additional data are needed to prove that conclusively. Therefore, this variant has been classified as Likely Pathogenic. Algorithms developed to predict the effect of sequence changes on RNA splicing suggest that this variant may disrupt the consensus splice site. This variant has not been reported in the literature in individuals affected with CAD-related conditions. This variant is not present in population databases (gnomAD no frequency).

Literature cited by the submitters: PubMed 16199547; PubMed 28007989; PubMed 32117025; PubMed 32820246; PubMed 33497533.

NM_004341.5(CAD):c.2031+2_2031+12del

Gene: CAD (carbamoyl-phosphate synthetase 2, aspartate transcarbamylase, and dihydroorotase; plus strand). Cytogenetic location: 2p23.3.
Variant type: Deletion.
Coding change: c.2031+2_2031+12del on transcript NM_004341.5 (MANE Select); the canonical splice donor site of the intron after coding-DNA position 2031 through 12 bases into the intron after coding-DNA position 2031, 11 bases deleted (TAAGCTCTAGG).
Molecular consequence: splice donor variant. On other transcripts: intron variant (1).
Genome position (GRCh38, 1-based): chr2:27,226,321-27,226,331, TAAGCTCTAGG deleted; deleting any 11 consecutive bases within chr2:27,226,318-27,226,331 gives the same sequence; the c. name uses the placement nearest the transcript's 3' end. VCF-style (leftmost placement, unchanged base first): chr2-27226317-CAGGTAAGCTCT-C. GRCh37 (hg19) VCF-style: chr2-27449185-CAGGTAAGCTCT-C.
Other names: c.1843-204_1843-194del (NM_001306079.2).
Identifiers: ClinVar variation 2863064 (VCV002863064.3), dbSNP rs2465305003, ClinGen allele CA2576936539.